The following is an entry in ClinVar:

NM_016495.6(TBC1D7):c.606T>G (p.Pro202=)

Genes: TBC1D7-LOC100130357 (TBC1D7-LOC100130357 readthrough; minus strand), TBC1D7 (TBC1 domain family member 7; minus strand), LOC126859592 (CDK7 strongly-dependent group 2 enhancer GRCh37_chr6:13307473-13308672; plus strand). Cytogenetic location: 6p24.1.
Variant type: single nucleotide variant.
Coding change: c.606T>G on transcript NM_016495.6 (MANE Select); coding-DNA position 606, T replaced by G.
Protein change: p.Pro202=; no amino-acid change (proline 202 retained).
Molecular consequence: synonymous variant.
Genome position (GRCh38, 1-based): chr6:13,307,659, A>C on the plus strand (T>G on the coding strand, the complement: TBC1D7 is on the minus strand). VCF-style: chr6-13307659-A-C. GRCh37 (hg19) VCF-style: chr6-13307891-A-C.
Other names: c.606T>G, p.Pro202= (NM_001318809.2, NM_001143964.4, NM_001143965.4 and 1 more transcripts); c.525T>G, p.Pro175= (NM_001143966.4); c.468T>G, p.Pro156= (NM_001258457.3).
Identifiers: ClinVar variation 4534876 (VCV004534876.6).

ClinVar aggregate classification (germline): Likely benign (1 of 4 stars; one submission).

gnomAD v4.1: 3 of 1,614,194 alleles (0.00019%); highest among the groups gnomAD compares: Non-Finnish European, 0.00025%; no homozygotes.

Submission:

CeGaT Center for Human Genetics Tuebingen
Classification: Likely benign. Last evaluated: 2025-10-01. Review status: criteria provided, single submitter. Criteria: CeGaT Center For Human Genetics Tuebingen Variant Classification Criteria Version 2. Collection method: clinical testing. Allele origin: germline. Affected: yes. Observed: 1 variant allele.
Comment: TBC1D7: BP4, BP7